The following is an entry in ClinVar:

ClinVar aggregate classification (germline): Likely pathogenic (1 of 4 stars; one submission).

Conditions:
Hereditary spastic paraplegia 10 (SPG10). Also called: SPASTIC PARAPLEGIA 10, AUTOSOMAL DOMINANT; SPASTIC PARAPLEGIA 10 WITH OR WITHOUT PERIPHERAL NEUROPATHY; SPASTIC PARAPLEGIA 10 WITH PERIPHERAL NEUROPATHY. Identifiers: Orphanet 100991, MedGen C1858712, MONDO:0011408, OMIM 604187.

Submission:

Genetics Research Center, University of Social Welfare and Rehabilitation Sciences
Classification: Likely pathogenic for Hereditary spastic paraplegia 10. Review status: criteria provided, single submitter. Criteria: ACMG Guidelines, 2015. Collection method: clinical testing. Allele origin: germline. Inheritance: Autosomal dominant inheritance. Affected: yes. Observed: 1 variant allele, 1 heterozygote.
Comment: ​The c.758A>T​(p.Lys253Met) variant causes a missense change involving the alteration of a conserved nucleotide (Phylop100 = 9.32). The variant was absent in control chromosomes in GnomAD project. In-silico tool predicts a pathogenic outcome for this variant (REVEL = 0.86). The variant co-segregated with disease status. Overall, it meets PM1, PM2, PP1, and PP3 ACMG criteria.

Literature cited by the submitters: PubMed 42120987.

NM_004984.4(KIF5A):c.758A>T (p.Lys253Met)

Gene: KIF5A (kinesin family member 5A; plus strand). Cytogenetic location: 12q13.3.
Variant type: single nucleotide variant.
Coding change: c.758A>T on transcript NM_004984.4 (MANE Select); coding-DNA position 758, A replaced by T.
Protein change: p.Lys253Met; replaces lysine 253 with methionine.
Molecular consequence: missense variant.
Genome position (GRCh38, 1-based): chr12:57,569,006, A>T. VCF-style: chr12-57569006-A-T. GRCh37 (hg19) VCF-style: chr12-57962789-A-T.
Other names: c.491A>T, p.Lys164Met (NM_001354705.2); short protein forms K164M, K253M.
Identifiers: ClinVar variation 4857022 (VCV004857022.1).